The following is an entry in ClinVar:

NM_001692.4(ATP6V1B1):c.340C>T (p.Arg114Ter)

Gene: ATP6V1B1 (ATPase H+ transporting V1 subunit B1; plus strand). Cytogenetic location: 2p13.3.
Variant type: single nucleotide variant.
Coding change: c.340C>T on transcript NM_001692.4 (MANE Select); coding-DNA position 340, C replaced by T.
Protein change: p.Arg114Ter; replaces arginine 114 with a stop codon.
Molecular consequence: nonsense.
Genome position (GRCh38, 1-based): chr2:70,958,399, C>T. VCF-style: chr2-70958399-C-T. GRCh37 (hg19) VCF-style: chr2-71185529-C-T.
Other names: short protein forms R114*.
Identifiers: ClinVar variation 521461 (VCV000521461.22), dbSNP rs782138777, ClinGen allele CA1700998.

ClinVar aggregate classification (germline): Pathogenic. Review status: criteria provided, multiple submitters, no conflicts (2 of 4 stars). 7 submissions from 7 submitters: Pathogenic (7). Last evaluated 2026-01-09.

Conditions:
Inborn genetic diseases. Identifiers: MedGen C0950123, MeSH D030342.
Renal tubular acidosis with progressive nerve deafness. Also called: Distal Renal Tubular Acidosis with Progressive Sensorineural Deafness; renal tubular acidosis, distal, 2, with progressive sensorineural hearing loss; RENAL TUBULAR ACIDOSIS, AUTOSOMAL RECESSIVE, WITH PROGRESSIVE NERVE DEAFNESS; RTA WITH PROGRESSIVE NERVE DEAFNESS. Identifiers: MedGen C0403554, MONDO:0009968, OMIM 267300.

Allele frequency attached by ClinVar (database versions not stated): ExAC 0.00001; gnomAD 0.00001; gnomAD exomes 0.00001; TOPMed 0.00001.

Submissions (7):

Labcorp Genetics (formerly Invitae), Labcorp
Classification: Pathogenic. Last evaluated: 2026-01-09. Review status: criteria provided, single submitter. Criteria: Invitae Variant Classification Sherloc (09022015). Collection method: clinical testing. Allele origin: germline.
Comment: This sequence change creates a premature translational stop signal (p.Arg114*) in the ATP6V1B1 gene. It is expected to result in an absent or disrupted protein product. Loss-of-function variants in ATP6V1B1 are known to be pathogenic (PMID: 9916796, 18368028). The frequency data for this variant in the population databases is considered unreliable, as metrics indicate poor data quality at this position in the gnomAD database. This premature translational stop signal has been observed in individual(s) with distal renal tubular acidosis with deafness (PMID: 17669226). ClinVar contains an entry for this variant (Variation ID: 521461). For these reasons, this variant has been classified as Pathogenic.

Natera, Inc.
Classification: Pathogenic for Renal tubular acidosis with progressive nerve deafness. Last evaluated: 2025-02-17. Review status: criteria provided, single submitter. Criteria: Natera Variant Classification Schema (03/2026). Collection method: clinical testing. Allele origin: germline.
Comment: The c.340C>T variant in ATP6V1B1 is a nonsense variant predicted to introduce a stop codon at amino acid 114. This variant is expected to result in nonsense mediated decay, truncation, or a dysfunctional protein product. This variant is rare in the general population with a frequency below the threshold expected for the associated phenotype(s). This variant has been observed in one or more individuals affected with the associated recessive disease, as either homozygous or compound heterozygous with a second variant (PMID: 28188436). Given the available evidence, this variant is classified as Pathogenic.

Dasa
Classification: Pathogenic. Last evaluated: 2025-01-08. Review status: criteria provided, single submitter. Criteria: DASA Assertion Criteria. Collection method: clinical testing. Allele origin: germline.
Comment: NM_001692.4(ATP6V1B1):c.340C>T (p.Arg114*) introduces a premature termination codon predicted to result in loss of normal protein function. Loss-of-function is an established mechanism of disease for this gene. This variant has been reported in individuals with related phenotype (PMID: 17669226). The variant is present at low frequency in population datasets. Based on the available data, this variant is classified as pathogenic.

Fulgent Genetics
Classification: Pathogenic for Renal tubular acidosis with progressive nerve deafness. Last evaluated: 2024-03-23. Review status: criteria provided, single submitter. Criteria: ACMG Guidelines, 2015. Collection method: clinical testing. Allele origin: germline.

Laboratorio de Genetica e Diagnostico Molecular, Hospital Israelita Albert Einstein
Classification: Pathogenic for Renal tubular acidosis with progressive nerve deafness. Last evaluated: 2022-08-17. Review status: criteria provided, single submitter. Criteria: ACMG Guidelines, 2015. Collection method: clinical testing. Allele origin: germline. Affected: yes. Observed: 1 variant allele.
Comment: ACMG classification criteria: PVS1 very strong, PS4 supporting, PM2 moderated, PM3 supporting

Mendelics
Classification: Pathogenic for Renal tubular acidosis with progressive nerve deafness. Last evaluated: 2019-05-28. Review status: criteria provided, single submitter. Criteria: Mendelics Assertion Criteria 2017. Collection method: clinical testing. Allele origin: unknown.

Ambry Genetics
Classification: Pathogenic for Inborn genetic diseases. Last evaluated: 2017-08-04. Review status: criteria provided, single submitter. Criteria: Ambry exome assertion method (8-5-2015). Collection method: clinical testing. Allele origin: germline. Affected: yes. Observed: 1 variant allele.

Literature cited by the submitters: PubMed 9916796 (cited by Labcorp Genetics (formerly Invitae), Labcorp); PubMed 18368028 (cited by Labcorp Genetics (formerly Invitae), Labcorp); PubMed 17669226 (cited by 3 submitters); PubMed 28188436 (cited by Natera, Inc.).